The following is an entry in ClinVar:

NM_000138.5(FBN1):c.7892G>C (p.Cys2631Ser)

Gene: FBN1 (fibrillin 1; minus strand). Cytogenetic location: 15q21.1.
Variant type: single nucleotide variant.
Coding change: c.7892G>C on transcript NM_000138.5 (MANE Select); coding-DNA position 7892, G replaced by C.
Protein change: p.Cys2631Ser; replaces cysteine 2631 with serine.
Molecular consequence: missense variant.
Genome position (GRCh38, 1-based): chr15:48,415,695, C>G on the plus strand (G>C on the coding strand, the complement: FBN1 is on the minus strand). VCF-style: chr15-48415695-C-G. GRCh37 (hg19) VCF-style: chr15-48707892-C-G.
Other names: c.7892G>C, p.Cys2631Ser (NM_001406716.1); short protein forms C2631S.
Identifiers: ClinVar variation 4789627 (VCV004789627.1).

ClinVar aggregate classification (germline): Likely pathogenic (1 of 4 stars; one submission).

Conditions:
Marfan syndrome (MFS). Also called: FBN1-Related Marfan Syndrome; MARFAN SYNDROME, TYPE I; Marfan syndrome type 1; Marfan's syndrome; Marfan syndrome, classic. Identifiers: Orphanet 284963, Orphanet 558, MedGen C0024796, MONDO:0007947, OMIM 154700.
Familial thoracic aortic aneurysm and aortic dissection (TAAD). Also called: Thoracic aortic aneurysms and dissections. Identifiers: Orphanet 91387, MedGen C4707243, MONDO:0019625.

Submission:

Labcorp Genetics (formerly Invitae), Labcorp
Classification: Likely pathogenic for Marfan syndrome; Familial thoracic aortic aneurysm and aortic dissection. Last evaluated: 2025-04-13. Review status: criteria provided, single submitter. Criteria: Invitae Variant Classification Sherloc (09022015). Collection method: clinical testing. Allele origin: germline.
Comment: This sequence change replaces cysteine, which is neutral and slightly polar, with serine, which is neutral and polar, at codon 2631 of the FBN1 protein (p.Cys2631Ser). This variant is not present in population databases (gnomAD no frequency). This variant has not been reported in the literature in individuals affected with FBN1-related conditions. Invitae Evidence Modeling of protein sequence and biophysical properties (such as structural, functional, and spatial information, amino acid conservation, physicochemical variation, residue mobility, and thermodynamic stability) indicates that this missense variant is expected to disrupt FBN1 protein function with a positive predictive value of 95%. This variant affects a cysteine residue in the EGF-like, TGFBP or hybrid motif domains of FBN1. Cysteine residues are believed to be involved in intramolecular disulfide bridges and have been shown to be important for FBN1 protein structure (PMID: 16905551, 19349279). In addition, missense substitutions affecting cysteine residues within these domains are significantly overrepresented among patients with Marfan syndrome (PMID: 16571647, 17701892). This variant disrupts the p.Cys2631 amino acid residue in FBN1. Other variant(s) that disrupt this residue have been observed in individuals with FBN1-related conditions (PMID: 24793577; internal data), which suggests that this may be a clinically significant amino acid residue. In summary, the currently available evidence indicates that the variant is pathogenic, but additional data are needed to prove that conclusively. Therefore, this variant has been classified as Likely Pathogenic.

Literature cited by the submitters: PubMed 16905551; PubMed 19349279; PubMed 16571647; PubMed 17701892; PubMed 24793577.